The following is an entry in ClinVar:

NM_006580.4(CLDN16):c.224T>C (p.Leu75Pro)

Gene: CLDN16 (claudin 16; plus strand). Cytogenetic location: 3q28.
Variant type: single nucleotide variant.
Coding change: c.224T>C on transcript NM_006580.4 (MANE Select); coding-DNA position 224, T replaced by C.
Protein change: p.Leu75Pro; replaces leucine 75 with proline.
Molecular consequence: missense variant.
Genome position (GRCh38, 1-based): chr3:190,404,768, T>C. VCF-style: chr3-190404768-T-C. GRCh37 (hg19) VCF-style: chr3-190122557-T-C.
Other names: L145P; c.224T>C, p.Leu75Pro (NM_001378492.1, NM_001378493.1); short protein forms L75P.
Identifiers: ClinVar variation 5936 (VCV000005936.8), dbSNP rs104893731, ClinGen allele CA117869.

ClinVar aggregate classification (germline): Pathogenic. Review status: criteria provided, single submitter (1 of 4 stars). 2 submissions from 2 submitters: Pathogenic (1). 1 of the submissions does not count toward it. Last evaluated 2021-02-24.

Conditions:
Primary hypomagnesemia (HOMG3). Also called: HYPOMAGNESEMIA, FAMILIAL, WITH HYPERCALCIURIA AND NEPHROCALCINOSIS; HYPOMAGNESEMIA, ISOLATED RENAL; HYPOMAGNESEMIA, PRIMARY, DUE TO DEFECT IN RENAL TUBULAR TRANSPORT OF MAGNESIUM; HYPOMAGNESEMIA 3, RENAL. Identifiers: Orphanet 31043, MedGen C0268448, MONDO:0009550, OMIM 248250.

Allele frequency attached by ClinVar (database versions not stated): gnomAD exomes below 0.00001; ExAC 0.00001; gnomAD 0.00001; TOPMed 0.00001.
gnomAD v4.1: 6 of 1,614,080 alleles (0.00037%); highest among the groups gnomAD compares: Non-Finnish European, 0.00051%; no homozygotes.

Submissions (2):

Labcorp Genetics (formerly Invitae), Labcorp
Classification: Pathogenic. Last evaluated: 2021-02-24. Review status: criteria provided, single submitter. Criteria: Invitae Variant Classification Sherloc (09022015). Collection method: clinical testing. Allele origin: germline.
Comment: This sequence change replaces leucine with proline at codon 145 of the CLDN16 protein (p.Leu145Pro). The leucine residue is highly conserved and there is a moderate physicochemical difference between leucine and proline. This variant is present in population databases (rs104893731, ExAC 0.001%). This variant has been observed in individual(s) with familial hypomagnesemia with hypercalciuria and nephrocalcinosis (PMID: 10878661, 18003771, Invitae). It has also been observed to segregate with disease in related individuals. ClinVar contains an entry for this variant (Variation ID: 5936). Experimental studies have shown that this variant affects CLDN16 protein function (PMID: 16234325). For these reasons, this variant has been classified as Pathogenic.

OMIM
Classification: Pathogenic for HYPOMAGNESEMIA 3, RENAL. Last evaluated: 2000-06-01. Review status: no assertion criteria provided. Collection method: literature only. Allele origin: germline. Not counted in ClinVar's aggregate classification.

Literature cited by the submitters: PubMed 10878661 (cited by Labcorp Genetics (formerly Invitae), Labcorp and OMIM); PubMed 18003771 (cited by Labcorp Genetics (formerly Invitae), Labcorp); PubMed 16234325 (cited by Labcorp Genetics (formerly Invitae), Labcorp).